The following is an entry in ClinVar:

ClinVar aggregate classification (germline): Uncertain significance (1 of 4 stars; one submission).

Allele frequency attached by ClinVar (database versions not stated): ExAC 0.00004.
gnomAD v4.1: 13 of 1,613,912 alleles (0.00081%); highest among the groups gnomAD compares: Admixed American, 0.017%; no homozygotes.

Submission:

Labcorp Genetics (formerly Invitae), Labcorp
Classification: Uncertain significance. Last evaluated: 2022-08-23. Review status: criteria provided, single submitter. Criteria: Invitae Variant Classification Sherloc (09022015). Collection method: clinical testing. Allele origin: germline.
Comment: This sequence change replaces valine, which is neutral and non-polar, with glycine, which is neutral and non-polar, at codon 2 of the RTTN protein (p.Val2Gly). This variant is present in population databases (rs747799533, gnomAD 0.03%). This variant has not been reported in the literature in individuals affected with RTTN-related conditions. ClinVar contains an entry for this variant (Variation ID: 1421171). Algorithms developed to predict the effect of missense changes on protein structure and function are either unavailable or do not agree on the potential impact of this missense change (SIFT: "Deleterious"; PolyPhen-2: "Benign"; Align-GVGD: "Class C0"). In summary, the available evidence is currently insufficient to determine the role of this variant in disease. Therefore, it has been classified as a Variant of Uncertain Significance.

NM_173630.4(RTTN):c.5T>G (p.Val2Gly)

Gene: RTTN (rotatin; minus strand). Cytogenetic location: 18q22.2.
Variant type: single nucleotide variant.
Coding change: c.5T>G on transcript NM_173630.4 (MANE Select); coding-DNA position 5, T replaced by G.
Protein change: p.Val2Gly; replaces valine 2 with glycine.
Molecular consequence: missense variant. On other transcripts: 5 prime UTR variant (1).
Genome position (GRCh38, 1-based): chr18:70,205,654, A>C on the plus strand (T>G on the coding strand, the complement: RTTN is on the minus strand). VCF-style: chr18-70205654-A-C. GRCh37 (hg19) VCF-style: chr18-67872890-A-C.
Other names: c.-2549T>G (NM_001318520.2); short protein forms V2G.
Identifiers: ClinVar variation 1421171 (VCV001421171.3), dbSNP rs747799533, ClinGen allele CA8996639.